The following is an entry in ClinVar:

NM_032380.5(GFM2):c.239A>G (p.Asp80Gly)

Gene: GFM2 (GTP dependent ribosome recycling factor mitochondrial 2; minus strand). Cytogenetic location: 5q13.3.
Variant type: single nucleotide variant.
Coding change: c.239A>G on transcript NM_032380.5 (MANE Select); coding-DNA position 239, A replaced by G.
Protein change: p.Asp80Gly; replaces aspartic acid 80 with glycine.
Molecular consequence: missense variant. On other transcripts: non-coding transcript variant (1).
Genome position (GRCh38, 1-based): chr5:74,758,914, T>C on the plus strand (A>G on the coding strand, the complement: GFM2 is on the minus strand). VCF-style: chr5-74758914-T-C. GRCh37 (hg19) VCF-style: chr5-74054739-T-C.
Other names: c.335A>G, p.Asp112Gly (NM_001281302.2); c.239A>G, p.Asp80Gly (NM_170681.3, NM_170691.3); short protein forms D112G, D80G.
Identifiers: ClinVar variation 2098594 (VCV002098594.4), dbSNP rs1244659659, ClinGen allele CA360086852.

ClinVar aggregate classification (germline): Uncertain significance (1 of 4 stars; one submission).

Submission:

Labcorp Genetics (formerly Invitae), Labcorp
Classification: Uncertain significance. Last evaluated: 2025-06-12. Review status: criteria provided, single submitter. Criteria: Invitae Variant Classification Sherloc (09022015). Collection method: clinical testing. Allele origin: germline.
Comment: This sequence change replaces aspartic acid, which is acidic and polar, with glycine, which is neutral and non-polar, at codon 80 of the GFM2 protein (p.Asp80Gly). This variant is not present in population databases (gnomAD no frequency). This variant has not been reported in the literature in individuals affected with GFM2-related conditions. ClinVar contains an entry for this variant (Variation ID: 2098594). Invitae Evidence Modeling of protein sequence and biophysical properties (such as structural, functional, and spatial information, amino acid conservation, physicochemical variation, residue mobility, and thermodynamic stability) indicates that this missense variant is expected to disrupt GFM2 protein function with a positive predictive value of 80%. In summary, the available evidence is currently insufficient to determine the role of this variant in disease. Therefore, it has been classified as a Variant of Uncertain Significance.